The following is an entry in ClinVar:

ClinVar aggregate classification (germline): Likely pathogenic (1 of 4 stars; one submission).

Submission:

Mayo Clinic Laboratories, Mayo Clinic
Classification: Likely pathogenic. Last evaluated: 2023-08-23. Review status: criteria provided, single submitter. Criteria: ACMG Guidelines, 2015. Collection method: clinical testing. Allele origin: germline. Observed: 2 variant alleles.
Comment: PM2, PVS1

NM_001009944.3(PKD1):c.8144_8151dup (p.Asn2718fs)

Gene: PKD1 (polycystin 1, transient receptor potential channel interacting; minus strand). Cytogenetic location: 16p13.3.
Variant type: Duplication.
Coding change: c.8144_8151dup on transcript NM_001009944.3 (MANE Select); coding-DNA positions 8144 to 8151, 8 bases duplicated (GCATCCTC; older notation c.8144_8151dupGCATCCTC).
Protein change: p.Asn2718fs; shifts the reading frame from asparagine 2718.
Molecular consequence: frameshift variant.
Genome position (GRCh38, 1-based): chr16:2,104,508-2,104,515, GAGGATGC duplicated on the plus strand (GCATCCTC on the coding strand, the reverse complement: PKD1 is on the minus strand). VCF-style (leftmost placement, unchanged base first): chr16-2104507-T-TGAGGATGC. GRCh37 (hg19) VCF-style: chr16-2154508-T-TGAGGATGC.
Other names: p.Asn2718Alafs*41; c.8144_8151dup, p.Asn2718fs (NM_000296.4); short protein forms N2718fs.
Identifiers: ClinVar variation 3381136 (VCV003381136.1).